The following is an entry in ClinVar:

NM_015557.3(CHD5):c.2204C>T (p.Thr735Ile)

Gene: CHD5 (chromodomain helicase DNA binding protein 5; minus strand). Cytogenetic location: 1p36.31.
Variant type: single nucleotide variant.
Coding change: c.2204C>T on transcript NM_015557.3 (MANE Select); coding-DNA position 2204, C replaced by T.
Protein change: p.Thr735Ile; replaces threonine 735 with isoleucine.
Molecular consequence: missense variant.
Genome position (GRCh38, 1-based): chr1:6,142,445, G>A on the plus strand (C>T on the coding strand, the complement: CHD5 is on the minus strand). VCF-style: chr1-6142445-G-A. GRCh37 (hg19) VCF-style: chr1-6202505-G-A.
Other names: short protein forms T735I.
Identifiers: ClinVar variation 3773707 (VCV003773707.2).

ClinVar aggregate classification (germline): Uncertain significance (1 of 4 stars; one submission).

Conditions:
Parenti-mignot neurodevelopmental syndrome. Identifiers: MedGen C5676984, MONDO:0859249, OMIM 619873.

Submission:

Institute of Human Genetics, University of Leipzig Medical Center
Classification: Uncertain significance for Parenti-mignot neurodevelopmental syndrome. Last evaluated: 2025-03-04. Review status: criteria provided, single submitter. Criteria: ACMG Guidelines, 2015. Collection method: clinical testing. Allele origin: unknown. Inheritance: Autosomal dominant inheritance. Affected: yes.
Comment: Criteria applied: PM2,PP2,PP3